The following is an entry in ClinVar:

NM_001244008.2(KIF1A):c.2155G>A (p.Ala719Thr)

Gene: KIF1A (kinesin family member 1A; minus strand). Cytogenetic location: 2q37.3.
Variant type: single nucleotide variant.
Coding change: c.2155G>A on transcript NM_001244008.2 (MANE Select); coding-DNA position 2155, G replaced by A.
Protein change: p.Ala719Thr; replaces alanine 719 with threonine.
Molecular consequence: missense variant.
Genome position (GRCh38, 1-based): chr2:240,761,339, C>T on the plus strand (G>A on the coding strand, the complement: KIF1A is on the minus strand). VCF-style: chr2-240761339-C-T. GRCh37 (hg19) VCF-style: chr2-241700756-C-T.
Other names: c.2155G>A, p.Ala719Thr (NM_001320705.2, NM_001330289.2, NM_001379638.1); c.2230G>A, p.Ala744Thr (NM_001330290.2, NM_001379631.1, NM_001379634.1 and 2 more transcripts); c.2128G>A, p.Ala710Thr (NM_001379632.1, NM_001379633.1, NM_001379636.1 and 10 more transcripts); c.2203G>A, p.Ala735Thr (NM_001379637.1, NM_001379648.1); short protein forms A735T, A719T, A744T, A710T.
Identifiers: ClinVar variation 4793161 (VCV004793161.1).
Genomic context (GRCh38, chr2:240,761,339, plus strand): 5'-CGTTGCCCCACAGCAGGTCCCGCAGAGACGTGAACTGGTACCACTTCCACTTCCGGAAGG[C>T]CCAGAGCGCCAGCTCACACTCCCGCTCTGTCCACTGGACTGTGGGGAGAGGTCACACGTG-3'
Protein context (NP_001230937.1, residues 709-729): TERECELALW[Ala719Thr]FRKWKWYQFT

ClinVar aggregate classification (germline): Uncertain significance (1 of 4 stars; one submission).

Conditions:
Neuropathy, hereditary sensory, type 2C. Also called: KIF1A-Related HSAN2 (HSAN2C); Hereditary sensory and autonomic neuropathy type IIC. Identifiers: Orphanet 970, MedGen C3280168, MONDO:0013634, OMIM 614213.
Hereditary spastic paraplegia 30. Identifiers: Orphanet 101010, MedGen C5235139, MONDO:0012476.
Intellectual disability, autosomal dominant 9 (NESCAVS). Also called: KIF1A-Related Neurodevelopmental Disorder; NESCAV SYNDROME. Identifiers: Orphanet 662367, MedGen C5393830, MONDO:0013656, OMIM 614255.

gnomAD v4.1: 1 of 1,613,244 alleles (0.000062%); highest among the groups gnomAD compares: Non-Finnish European, 0.000085%; no homozygotes.

Submission:

Labcorp Genetics (formerly Invitae), Labcorp
Classification: Uncertain significance for Hereditary spastic paraplegia 30; Neuropathy, hereditary sensory, type 2C; Intellectual disability, autosomal dominant 9. Last evaluated: 2025-05-04. Review status: criteria provided, single submitter. Criteria: Invitae Variant Classification Sherloc (09022015). Collection method: clinical testing. Allele origin: germline.
Comment: This sequence change replaces alanine, which is neutral and non-polar, with threonine, which is neutral and polar, at codon 710 of the KIF1A protein (p.Ala710Thr). This variant is not present in population databases (gnomAD no frequency). This variant has not been reported in the literature in individuals affected with KIF1A-related conditions. Invitae Evidence Modeling of protein sequence and biophysical properties (such as structural, functional, and spatial information, amino acid conservation, physicochemical variation, residue mobility, and thermodynamic stability) has been performed for this missense variant. However, the output from this modeling did not meet the statistical confidence thresholds required to predict the impact of this variant on KIF1A protein function. In summary, the available evidence is currently insufficient to determine the role of this variant in disease. Therefore, it has been classified as a Variant of Uncertain Significance.